The following is an entry in ClinVar:

ClinVar aggregate classification (germline): Uncertain significance (1 of 4 stars; one submission).

Allele frequency attached by ClinVar (database versions not stated): TOPMed below 0.00001; ExAC 0.00001; gnomAD exomes 0.00001.
gnomAD v4.1: 1 of 1,614,144 alleles (0.000062%); highest among the groups gnomAD compares: Non-Finnish European, 0.000085%; no homozygotes.

Submission:

GeneDx
Classification: Uncertain significance. Last evaluated: 2017-03-20. Review status: criteria provided, single submitter. Criteria: GeneDx Variant Classification (06012015). Collection method: clinical testing. Allele origin: germline. Affected: yes.
Comment: The I602V variant has not been published as a pathogenic variant, nor has it been reported as a benign polymorphism to our knowledge. It was not observed in approximately 6,500 individuals of European and African American ancestry in the NHLBI Exome Sequencing Project, indicating it is not a common benign variant in these populations. The I602V variant is a conservative amino acid substitution, which is not likely to impact secondary protein structure as these residues share similar properties. This substitution occurs at a position where amino acids with similar properties to Isoleucine are tolerated across species, and Valine is observed at this position in other vertebrate species. In silico analysis is inconsistent in its predictions as to whether or not the variant is damaging to the protein structure/function. Therefore, based on the currently available information, it is unclear whether this variant is a pathogenic variant or a rare benign variant.

NM_030962.4(SBF2):c.1804A>G (p.Ile602Val)

Gene: SBF2 (SET binding factor 2; minus strand). Cytogenetic location: 11p15.4.
Variant type: single nucleotide variant.
Coding change: c.1804A>G on transcript NM_030962.4 (MANE Select); coding-DNA position 1804, A replaced by G.
Protein change: p.Ile602Val; replaces isoleucine 602 with valine.
Molecular consequence: missense variant.
Genome position (GRCh38, 1-based): chr11:9,962,013, T>C on the plus strand (A>G on the coding strand, the complement: SBF2 is on the minus strand). VCF-style: chr11-9962013-T-C. GRCh37 (hg19) VCF-style: chr11-9983560-T-C.
Other names: c.1804A>G, p.Ile602Val (NM_001386339.1); c.1675A>G, p.Ile559Val (NM_001386342.1); short protein forms I602V, I559V.
Identifiers: ClinVar variation 245773 (VCV000245773.2), dbSNP rs751375939, ClinGen allele CA5881744.